The following is an entry in ClinVar:

NM_006231.4(POLE):c.4993_4995del (p.Ser1665del)

Gene: POLE (DNA polymerase epsilon, catalytic subunit; minus strand). Cytogenetic location: 12q24.33.
Variant type: Deletion.
Coding change: c.4993_4995del on transcript NM_006231.4 (MANE Select); coding-DNA positions 4993 to 4995, 3 bases deleted (TCC; older notation c.4993_4995delTCC).
Protein change: p.Ser1665del; deletes serine 1665.
Molecular consequence: inframe deletion.
Genome position (GRCh38, 1-based): chr12:132,642,355-132,642,357, GGA deleted on the plus strand (TCC on the coding strand, the reverse complement: POLE is on the minus strand); deleting any 3 consecutive bases within chr12:132,642,355-132,642,358 gives the same sequence; the c. name uses the placement nearest the transcript's 3' end. VCF-style (leftmost placement, unchanged base first): chr12-132642354-TGGA-T. GRCh37 (hg19) VCF-style: chr12-133218940-TGGA-T.
Other names: short protein forms S1665del.
Identifiers: ClinVar variation 3781586 (VCV003781586.1).

ClinVar aggregate classification (germline): Uncertain significance (1 of 4 stars; one submission).

Conditions:
Hereditary cancer-predisposing syndrome. Also called: Neoplastic Syndromes, Hereditary; Hereditary Cancer Syndrome; Tumor predisposition; Hereditary neoplastic syndrome. Identifiers: Orphanet 140162, MedGen C0027672, MeSH D009386, MONDO:0015356.

Submission:

Ambry Genetics
Classification: Uncertain significance for Hereditary cancer-predisposing syndrome. Last evaluated: 2025-03-12. Review status: criteria provided, single submitter. Criteria: Ambry Variant Classification Scheme 2023. Collection method: clinical testing. Allele origin: germline.
Comment: The c.4993_4995delTCC variant (also known as p.S1665del) is located in coding exon 38 of the POLE gene. This variant results from an in-frame TCC deletion at nucleotide positions 4993 to 4995. This results in the in-frame deletion of a serine at codon 1665. This amino acid position is highly conserved in available vertebrate species. In addition, this alteration is predicted to be deleterious by in silico analysis (Choi Y et al. PLoS ONE. 2012; 7(10):e46688). Based on the available evidence, the clinical significance of this variant remains unclear.